The following is an entry in ClinVar:

ClinVar aggregate classification (germline): Uncertain significance. Review status: criteria provided, multiple submitters, no conflicts (2 of 4 stars). 2 submissions from 2 submitters: Uncertain significance (2). Last evaluated 2024-09-27.

Conditions:
Nemaline myopathy 2 (NEM2). Also called: Nemaline myopathy 2, autosomal recessive. Identifiers: MedGen C1850569, MONDO:0009725, OMIM 256030.

Allele frequency attached by ClinVar (database versions not stated): gnomAD 0.00001; TOPMed 0.00001.
gnomAD v4.1: 1 of 1,613,186 alleles (0.000062%); highest among the groups gnomAD compares: Admixed American, 0.0017%; no homozygotes.

Submissions (2):

Labcorp Genetics (formerly Invitae), Labcorp
Classification: Uncertain significance for Nemaline myopathy 2. Last evaluated: 2024-09-27. Review status: criteria provided, single submitter. Criteria: Invitae Variant Classification Sherloc (09022015). Collection method: clinical testing. Allele origin: germline.
Comment: This sequence change replaces tyrosine, which is neutral and polar, with histidine, which is basic and polar, at codon 13 of the NEB protein (p.Tyr13His). This variant is not present in population databases (gnomAD no frequency). This variant has not been reported in the literature in individuals affected with NEB-related conditions. ClinVar contains an entry for this variant (Variation ID: 2434209). Experimental studies and prediction algorithms are not available or were not evaluated, and the functional significance of this variant is currently unknown. In summary, the available evidence is currently insufficient to determine the role of this variant in disease. Therefore, it has been classified as a Variant of Uncertain Significance.

Revvity Omics, Revvity
Classification: Uncertain significance. Last evaluated: 2019-10-18. Review status: criteria provided, single submitter. Criteria: ACMG Guidelines, 2015. Collection method: clinical testing. Allele origin: germline.

NM_001164508.2(NEB):c.37T>C (p.Tyr13His)

Gene: NEB (nebulin; minus strand). Cytogenetic location: 2q23.3.
Variant type: single nucleotide variant.
Coding change: c.37T>C on transcript NM_001164508.2 (MANE Select); coding-DNA position 37, T replaced by C.
Protein change: p.Tyr13His; replaces tyrosine 13 with histidine.
Molecular consequence: missense variant.
Genome position (GRCh38, 1-based): chr2:151,729,656, A>G on the plus strand (T>C on the coding strand, the complement: NEB is on the minus strand). VCF-style: chr2-151729656-A-G. GRCh37 (hg19) VCF-style: chr2-152586170-A-G.
Other names: c.37T>C, p.Tyr13His (NM_001164507.2, NM_001271208.2, NM_004543.5); short protein forms Y13H.
Identifiers: ClinVar variation 2434209 (VCV002434209.5), dbSNP rs1347004993, ClinGen allele CA348797082.